The following is an entry in ClinVar:

NM_001276270.2(MBD4):c.1270C>A (p.Pro424Thr)

Gene: MBD4 (methyl-CpG binding domain 4, DNA glycosylase; minus strand). Cytogenetic location: 3q21.3.
Variant type: single nucleotide variant.
Coding change: c.1270C>A on transcript NM_001276270.2 (MANE Select); coding-DNA position 1270, C replaced by A.
Protein change: p.Pro424Thr; replaces proline 424 with threonine.
Molecular consequence: missense variant.
Genome position (GRCh38, 1-based): chr3:129,433,973, G>T on the plus strand (C>A on the coding strand, the complement: MBD4 is on the minus strand). VCF-style: chr3-129433973-G-T. GRCh37 (hg19) VCF-style: chr3-129152816-G-T.
Other names: c.1288C>A, p.Pro430Thr (NM_001276271.2, NM_001276272.2, NM_003925.3); c.334C>A, p.Pro112Thr (NM_001276273.2); short protein forms P430T, P424T, P112T.
Identifiers: ClinVar variation 5024034 (VCV005024034.1).

ClinVar aggregate classification (germline): Uncertain significance (1 of 4 stars; one submission).

Conditions:
Inborn genetic diseases. Identifiers: MedGen C0950123, MeSH D030342.

Submission:

Ambry Genetics
Classification: Uncertain significance for Inborn genetic diseases. Last evaluated: 2026-08-15. Review status: criteria provided, single submitter. Criteria: Ambry Variant Classification Scheme 2023. Collection method: clinical testing. Allele origin: germline.
Comment: The p.P424T variant (also known as c.1270C>A), located in coding exon 5 of the MBD4 gene, results from a C to A substitution at nucleotide position 1270. The proline at codon 424 is replaced by threonine, an amino acid with highly similar properties. This amino acid position is conserved. In addition, this alteration is predicted to be deleterious by in silico analysis. Based on the available evidence, the clinical significance of this variant remains unclear.